The following is an entry in ClinVar:

NM_021930.6(RINT1):c.2067+6_2067+9del

Genes: EFCAB10 (EF-hand calcium binding domain 10; minus strand), RINT1 (RAD50 interactor 1; plus strand). Cytogenetic location: 7q22.3.
Variant type: Microsatellite.
Coding change: c.2067+6_2067+9del on transcript NM_021930.6 (MANE Select); bases 6 to 9 of the intron after coding-DNA position 2067, 4 bases deleted (TAAG; older notation c.2067+6_2067+9delTAAG).
Molecular consequence: splice donor variant. On other transcripts: 3 prime UTR variant (1), intron variant (2).
Genome position (GRCh38, 1-based): chr7:105,565,463-105,565,466, TAAG deleted; deleting any 4 consecutive bases within chr7:105,565,456-105,565,466 gives the same sequence; the c. name uses the placement nearest the transcript's 3' end. VCF-style (leftmost placement, unchanged base first): chr7-105565455-GAAGT-G. GRCh37 (hg19) VCF-style: chr7-105205902-GAAGT-G.
Other names: c.2067+6_2067+9delTAAG (NM_021930.4); c.*86ACTT[1] (NM_001355530.2); c.1044+6_1044+9del (NM_001346600.2, NM_001346603.2); c.1143+6_1143+9del (NM_001346601.2); c.1833+6_1833+9del (NM_001346599.2); c.360-12_360-9del (NM_001355531.2); c.384-12_384-9del (NM_001355526.2).
Identifiers: ClinVar variation 410784 (VCV000410784.11), dbSNP rs761799563, ClinGen allele CA4426849.
Genomic context (GRCh38, chr7:105,565,455, plus strand): 5'-TCCTTATTTAAAATTTTCTGGCAAATGCTTGTAGAGAAGCTGGATGTATACATCTACCAA[GAAGT>G]AAGTAAGAATAGACTGTTTTTGGGCTGTGATAATAAAGACAACTGTTATATGAATTATTC-3'

ClinVar aggregate classification (germline): Uncertain significance. Review status: criteria provided, multiple submitters, no conflicts (2 of 4 stars). 2 submissions from 2 submitters: Uncertain significance (2). Last evaluated 2024-06-07.

Conditions:
Infantile liver failure syndrome 3. Identifiers: MedGen C5231437, MONDO:0032844, OMIM 618641.

Submissions (2):

Fulgent Genetics
Classification: Uncertain significance for Infantile liver failure syndrome 3. Last evaluated: 2024-06-07. Review status: criteria provided, single submitter. Criteria: ACMG Guidelines, 2015. Collection method: clinical testing. Allele origin: germline.

Labcorp Genetics (formerly Invitae), Labcorp
Classification: Uncertain significance. Last evaluated: 2022-07-23. Review status: criteria provided, single submitter. Criteria: Invitae Variant Classification Sherloc (09022015). Collection method: clinical testing. Allele origin: germline.
Comment: This sequence change falls in intron 13 of the RINT1 gene. It does not directly change the encoded amino acid sequence of the RINT1 protein. It affects a nucleotide within the consensus splice site. In summary, the available evidence is currently insufficient to determine the role of this variant in disease. Therefore, it has been classified as a Variant of Uncertain Significance. Variants that disrupt the consensus splice site are a relatively common cause of aberrant splicing (PMID: 17576681, 9536098). Algorithms developed to predict the effect of sequence changes on RNA splicing suggest that this variant may disrupt the consensus splice site. ClinVar contains an entry for this variant (Variation ID: 410784). This variant has not been reported in the literature in individuals affected with RINT1-related conditions. This variant is present in population databases (rs761799563, gnomAD 0.02%).

Literature cited by the submitters: PubMed 17576681 (cited by Labcorp Genetics (formerly Invitae), Labcorp); PubMed 9536098 (cited by Labcorp Genetics (formerly Invitae), Labcorp).